The following is an entry in ClinVar:

ClinVar aggregate classification (germline): Likely pathogenic (1 of 4 stars; one submission).

Conditions:
Autosomal dominant TRAF3-related disorders.

Submission:

Variantyx, Inc.
Classification: Likely pathogenic for Autosomal dominant TRAF3-related disorders. Last evaluated: 2025-04-20. Review status: criteria provided, single submitter. Criteria: Variantyx Assertion Criteria 2022. Collection method: clinical testing. Allele origin: germline. Inheritance: Autosomal dominant inheritance. Affected: yes.
Comment: This is a frameshift variant in the TRAF3 gene (OMIM: 601896). Pathogenic variants in this gene have been associated with autosomal dominant TRAF3-related disorders. This variant introduces a premature termination codon in exon 12 out of 12 and is expected to result in loss of function, which is a known disease mechanism for TRAF3 in these disorders (PMID: 39579173, 40181234, 35960817) (PVS1). This variant is absent from control populations (PM2) and it has not been reported in individuals with TRAF3-related disorders in the databases available for review. Based on the current evidence, this variant is classified as likely pathogenic for autosomal dominant TRAF3-related disorders.

Literature cited by the submitters: PubMed 39579173; PubMed 40181234; PubMed 35960817.

NM_145725.3(TRAF3):c.1400del (p.Lys467fs)

Gene: TRAF3 (TNF receptor associated factor 3; plus strand). Cytogenetic location: 14q32.32.
Variant type: Deletion.
Coding change: c.1400del on transcript NM_145725.3 (MANE Select); coding-DNA position 1400, one base deleted (A; older notation c.1400delA).
Protein change: p.Lys467fs; shifts the reading frame from lysine 467.
Molecular consequence: frameshift variant.
Genome position (GRCh38, 1-based): chr14:102,905,477, A deleted; the last of 2 consecutive A bases (chr14:102,905,476-102,905,477); deleting either gives the same sequence. VCF-style (leftmost placement, unchanged base first): chr14-102905475-GA-G. GRCh37 (hg19) VCF-style: chr14-103371812-GA-G.
Other names: c.1151del, p.Lys384fs (NM_001199427.2); c.1259del, p.Lys420fs (NM_001385142.1); c.1319del, p.Lys440fs (NM_001385143.1); c.1400del, p.Lys467fs (NM_003300.4); c.1325del, p.Lys442fs (NM_145726.3); short protein forms K384fs, K420fs, K440fs, K442fs, K467fs.
Identifiers: ClinVar variation 4849984 (VCV004849984.1).
Genomic context (GRCh38, chr14:102,905,475, plus strand): 5'-CACTGGTTACTTTGGCTATAAGATGTGTGCCAGGGTCTACCTGAACGGGGACGGGATGGG[GA>G]AGGGGACGCACTTGTCGCTGTTTTTTGTCATCATGCGTGGAGAATATGATGCCCTGCTTC-3'